The following is an entry in ClinVar:

ClinVar aggregate classification (germline): Uncertain significance (1 of 4 stars; one submission).

Submission:

Labcorp Genetics (formerly Invitae), Labcorp
Classification: Uncertain significance. Last evaluated: 2024-02-02. Review status: criteria provided, single submitter. Criteria: Invitae Variant Classification Sherloc (09022015). Collection method: clinical testing. Allele origin: germline.
Comment: This sequence change replaces alanine, which is neutral and non-polar, with aspartic acid, which is acidic and polar, at codon 536 of the DSG1 protein (p.Ala536Asp). This variant is not present in population databases (gnomAD no frequency). This variant has not been reported in the literature in individuals affected with DSG1-related conditions. Advanced modeling of protein sequence and biophysical properties (such as structural, functional, and spatial information, amino acid conservation, physicochemical variation, residue mobility, and thermodynamic stability) performed at Invitae indicates that this missense variant is not expected to disrupt DSG1 protein function with a negative predictive value of 80%. In summary, the available evidence is currently insufficient to determine the role of this variant in disease. Therefore, it has been classified as a Variant of Uncertain Significance.

NM_001942.4(DSG1):c.1607C>A (p.Ala536Asp)

Gene: DSG1 (desmoglein 1; plus strand). Cytogenetic location: 18q12.1.
Variant type: single nucleotide variant.
Coding change: c.1607C>A on transcript NM_001942.4 (MANE Select); coding-DNA position 1607, C replaced by A.
Protein change: p.Ala536Asp; replaces alanine 536 with aspartic acid.
Molecular consequence: missense variant.
Genome position (GRCh38, 1-based): chr18:31,339,945, C>A. VCF-style: chr18-31339945-C-A. GRCh37 (hg19) VCF-style: chr18-28919908-C-A.
Other names: short protein forms A536D.
Identifiers: ClinVar variation 2704819 (VCV002704819.3), dbSNP rs1260955505, ClinGen allele CA402138303.